The following is an entry in ClinVar:

NM_001372106.1(DNAH10):c.13092G>T (p.Val4364=)

Genes: DNAH10 (dynein axonemal heavy chain 10; plus strand), DNAH10OS (dynein axonemal heavy chain 10 opposite strand; minus strand). Cytogenetic location: 12q24.31.
Variant type: single nucleotide variant.
Coding change: c.13092G>T on transcript NM_001372106.1 (MANE Select); coding-DNA position 13092, G replaced by T.
Protein change: p.Val4364=; no amino-acid change (valine 4364 retained).
Molecular consequence: synonymous variant.
Genome position (GRCh38, 1-based): chr12:123,931,811, G>T. VCF-style: chr12-123931811-G-T. GRCh37 (hg19) VCF-style: chr12-124416358-G-T.
Other names: c.12738G>T, p.Val4246= (NM_001083900.1, NM_207437.3).
Identifiers: ClinVar variation 3039756 (VCV003039756.2), dbSNP rs368050230, ClinGen allele CA6866116.

ClinVar aggregate classification (germline): Likely benign (0 of 4 stars; one submission).

Conditions:
DNAH10-related disorder. Also called: DNAH10-related condition.

Allele frequency attached by ClinVar (database versions not stated): 1000 Genomes Project 30x 0.00016; gnomAD 0.00019; 1000 Genomes Project 0.00020; TOPMed 0.00026; ExAC 0.00027; gnomAD exomes 0.00047; ESP Exome Variant Server 0.00048.
gnomAD v4.1: 715 of 1,614,052 alleles (0.044%); highest among the groups gnomAD compares: Non-Finnish European, 0.058%; no homozygotes.

Submission:

PreventionGenetics, part of Exact Sciences
Classification: Likely benign for DNAH10-related condition. Last evaluated: 2019-09-10. Review status: no assertion criteria provided. Collection method: clinical testing. Allele origin: germline.
Comment: This variant is classified as likely benign based on ACMG/AMP sequence variant interpretation guidelines (Richards et al. 2015 PMID: 25741868, with internal and published modifications).